The following is an entry in ClinVar:

ClinVar aggregate classification (germline): Benign (1 of 4 stars; one submission).

Allele frequency attached by ClinVar (database versions not stated): gnomAD 0.53488 and 0.53619; TOPMed 0.56049; 1000 Genomes Project 0.59245; 1000 Genomes Project 30x 0.59635.
gnomAD v4.1: 81,334 of 151,756 alleles (54%); highest among the groups gnomAD compares: Admixed American, 63%; 22,398 homozygotes.

Submission:

GeneDx
Classification: Benign. Last evaluated: 2018-06-19. Review status: criteria provided, single submitter. Criteria: GeneDx Variant Classification (06012015). Collection method: clinical testing. Allele origin: germline. Affected: yes.
Comment: This variant is considered likely benign or benign based on one or more of the following criteria: it is a conservative change, it occurs at a poorly conserved position in the protein, it is predicted to be benign by multiple in silico algorithms, and/or has population frequency not consistent with disease.

NM_001136472.2(LITAF):c.-5-296G>A

Gene: LITAF (lipopolysaccharide induced TNF factor; minus strand). Cytogenetic location: 16p13.13.
Variant type: single nucleotide variant.
Coding change: c.-5-296G>A on transcript NM_001136472.2 (MANE Select); 296 bases into the intron before 5 bases upstream of the start codon, G replaced by A.
Molecular consequence: intron variant.
Genome position (GRCh38, 1-based): chr16:11,557,031, C>T on the plus strand (G>A on the coding strand, the complement: LITAF is on the minus strand). VCF-style: chr16-11557031-C-T. GRCh37 (hg19) VCF-style: chr16-11650887-C-T.
Other names: c.-5-296G>A (NM_001136473.1, NM_004862.4).
Identifiers: ClinVar variation 684077 (VCV000684077.1), dbSNP rs6498222, ClinGen allele CA14348840.
Genomic context (GRCh38, chr16:11,557,031, plus strand): 5'-ATCAACCAAATAAGGGTCATTTCTTCTTCACATCTTAAACCATTACCAGACAATGACCTA[C>T]GTACCTTCCATATCTGGTGTTTCTTCTTCGTTGTTTTTTTTTGTTTGTTTTTTTGTGGTT-3'